The following is an entry in ClinVar:

NM_016151.4(TAOK2):c.3577C>T (p.Arg1193Ter)

Gene: TAOK2 (TAO kinase 2; plus strand). Cytogenetic location: 16p11.2.
Variant type: single nucleotide variant.
Coding change: c.3577C>T on transcript NM_016151.4 (MANE Select); coding-DNA position 3577, C replaced by T.
Protein change: p.Arg1193Ter; replaces arginine 1193 with a stop codon.
Molecular consequence: nonsense. On other transcripts: intron variant (1).
Genome position (GRCh38, 1-based): chr16:29,987,849, C>T. VCF-style: chr16-29987849-C-T. GRCh37 (hg19) VCF-style: chr16-29999170-C-T.
Other names: c.3238C>T, p.Arg1080Ter (NM_001252043.2); c.2232+1345C>T (NM_004783.4); short protein forms R1193*, R1080*.
Identifiers: ClinVar variation 1490498 (VCV001490498.6), dbSNP rs1264132970, ClinGen allele CA395501807.

ClinVar aggregate classification (germline): Uncertain significance (1 of 4 stars; one submission).

Allele frequency attached by ClinVar (database versions not stated): gnomAD 0.00001; TOPMed 0.00001.

Submission:

Labcorp Genetics (formerly Invitae), Labcorp
Classification: Uncertain significance. Last evaluated: 2023-08-04. Review status: criteria provided, single submitter. Criteria: Invitae Variant Classification Sherloc (09022015). Collection method: clinical testing. Allele origin: germline.
Comment: This sequence change creates a premature translational stop signal (p.Arg1193*) in the TAOK2 gene. While this is not anticipated to result in nonsense mediated decay, it is expected to disrupt the last 43 amino acid(s) of the TAOK2 protein. The frequency data for this variant in the population databases is considered unreliable, as metrics indicate poor data quality at this position in the gnomAD database. This variant has not been reported in the literature in individuals affected with TAOK2-related conditions. ClinVar contains an entry for this variant (Variation ID: 1490498). Experimental studies and prediction algorithms are not available or were not evaluated, and the functional significance of this variant is currently unknown. In summary, the available evidence is currently insufficient to determine the role of this variant in disease. Therefore, it has been classified as a Variant of Uncertain Significance.